The following is an entry in ClinVar:

NM_001164508.2(NEB):c.24775_24780del (p.Asp8260_Ser8261del)

Genes: NEB (nebulin; minus strand), RIF1 (replication timing regulatory factor 1; plus strand). Cytogenetic location: 2q23.3.
Variant type: Deletion.
Coding change: c.24775_24780del on transcript NM_001164508.2 (MANE Select); coding-DNA positions 24775 to 24780, 6 bases deleted (TCTGAT; older notation c.24775_24780delTCTGAT).
Protein change: p.Asp8260_Ser8261del.
Molecular consequence: inframe deletion.
Genome position (GRCh38, 1-based): chr2:151,492,480-151,492,485, ATCAGA deleted on the plus strand (TCTGAT on the coding strand, the reverse complement: NEB is on the minus strand); deleting any 6 consecutive bases within chr2:151,492,480-151,492,487 gives the same sequence; the c. name uses the placement nearest the transcript's 3' end. VCF-style (leftmost placement, unchanged base first): chr2-151492479-TATCAGA-T. GRCh37 (hg19) VCF-style: chr2-152348993-TATCAGA-T.
Other names: c.24775_24780del, p.Asp8260_Ser8261del (NM_001164507.2); c.24880_24885del, p.Asp8295_Ser8296del (NM_001271208.2); c.19207_19212del, p.Asp6404_Ser6405del (NM_004543.5).
Identifiers: ClinVar variation 2159224 (VCV002159224.4), dbSNP rs2551710646, ClinGen allele CA2577118967.

ClinVar aggregate classification (germline): Uncertain significance (1 of 4 stars; one submission).

Conditions:
Nemaline myopathy 2 (NEM2). Also called: Nemaline myopathy 2, autosomal recessive. Identifiers: MedGen C1850569, MONDO:0009725, OMIM 256030.

Submission:

Labcorp Genetics (formerly Invitae), Labcorp
Classification: Uncertain significance for Nemaline myopathy 2. Last evaluated: 2022-06-01. Review status: criteria provided, single submitter. Criteria: Invitae Variant Classification Sherloc (09022015). Collection method: clinical testing. Allele origin: germline.
Comment: This variant, c.24880_24885del, results in the deletion of 2 amino acid(s) of the NEB protein (p.Asp8295_Ser8296del), but otherwise preserves the integrity of the reading frame. This variant is not present in population databases (gnomAD no frequency). In summary, the available evidence is currently insufficient to determine the role of this variant in disease. Therefore, it has been classified as a Variant of Uncertain Significance. Experimental studies and prediction algorithms are not available or were not evaluated, and the functional significance of this variant is currently unknown. This variant has not been reported in the literature in individuals affected with NEB-related conditions.